The following is an entry in ClinVar:

ClinVar aggregate classification (germline): Uncertain significance. Review status: criteria provided, multiple submitters, no conflicts (2 of 4 stars). 3 submissions from 3 submitters: Uncertain significance (3). Last evaluated 2024-12-16.

Conditions:
WDPCP-related disorder. Also called: WDPCP-related condition.
Inborn genetic diseases. Identifiers: MedGen C0950123, MeSH D030342.

Submissions (3):

Ambry Genetics
Classification: Uncertain significance for Inborn genetic diseases. Last evaluated: 2024-12-16. Review status: criteria provided, single submitter. Criteria: Ambry Variant Classification Scheme 2023. Collection method: clinical testing. Allele origin: germline.

PreventionGenetics, part of Exact Sciences
Classification: Uncertain significance for WDPCP-related condition. Last evaluated: 2024-12-03. Review status: criteria provided, single submitter. Criteria: ACMG Guidelines, 2015. Collection method: clinical testing. Allele origin: germline.
Comment: The WDPCP c.374A>G variant is predicted to result in the amino acid substitution p.Tyr125Cys. To our knowledge, this variant has not been reported in the literature. This variant is reported in 0.013% of alleles in individuals of European (Non-Finnish) descent in gnomAD. At this time, the clinical significance of this variant is uncertain due to the absence of conclusive functional and genetic evidence.

Blueprint Genetics
Classification: Uncertain significance. Last evaluated: 2024-02-26. Review status: criteria provided, single submitter. Criteria: ACMG Guidelines, 2015. Collection method: clinical testing. Allele origin: germline.

NM_015910.7(WDPCP):c.374A>G (p.Tyr125Cys)

Gene: WDPCP (WD repeat containing planar cell polarity effector; minus strand). Cytogenetic location: 2p15.
Variant type: single nucleotide variant.
Coding change: c.374A>G on transcript NM_015910.7 (MANE Select); coding-DNA position 374, A replaced by G.
Protein change: p.Tyr125Cys; replaces tyrosine 125 with cysteine.
Molecular consequence: missense variant. On other transcripts: non-coding transcript variant (2).
Genome position (GRCh38, 1-based): chr2:63,484,614, T>C on the plus strand (A>G on the coding strand, the complement: WDPCP is on the minus strand). VCF-style: chr2-63484614-T-C. GRCh37 (hg19) VCF-style: chr2-63711748-T-C.
Other names: c.302A>G, p.Tyr101Cys (NM_001354044.2); c.374A>G, p.Tyr125Cys (NM_001354045.2); short protein forms Y101C, Y125C.
Identifiers: ClinVar variation 3815820 (VCV003815820.3).